The following is an entry in ClinVar:

ClinVar aggregate classification (germline): Likely pathogenic (1 of 4 stars; one submission).

Allele frequency attached by ClinVar (database versions not stated): gnomAD exomes below 0.00001; ExAC 0.00007.
gnomAD v4.1: 4 of 1,563,618 alleles (0.00026%); highest among the groups gnomAD compares: Admixed American, 0.0019%; no homozygotes.

Submission:

Genetic Services Laboratory, University of Chicago
Classification: Likely pathogenic. Last evaluated: 2019-10-16. Review status: criteria provided, single submitter. Criteria: ACMG Guidelines, 2015. Collection method: clinical testing. Allele origin: germline. Affected: yes.
Comment: DNA sequence analysis of the VDR gene demonstrated a sequence change in the apparently homozygous state, c.910G>A, in exon 10 that results in an amino acid change, p.Gly304Arg. The p.Gly304Arg change affects a highly conserved amino acid residue located in a domain of the VDR protein that is known to be functional. The p.Gly304Arg substitution appears to be deleterious using several in-silico pathogenicity prediction tools (SIFT, PolyPhen2, Align GVGD, REVEL). The p.Gly304Arg change has been identified in the heterozygous state in two individuals in the gnomAD population database (dbSNP rs747349160). The p.Gly304Arg amino acid change has not been previously reported in patients with VDR-related rickets; however, this change occurs in the ligand-binding domain of the VDR gene where multiple other pathogenic missense sequence changes have been described in patients with VDR-related vitamin D-resistant rickets. The p.Gly304Arg change is the likely cause of the indicated phenotype, however functional studies have not been performed to prove this conclusively.

NM_000376.3(VDR):c.910G>A (p.Gly304Arg)

Gene: VDR (vitamin D receptor; minus strand). Cytogenetic location: 12q13.11.
Variant type: single nucleotide variant.
Coding change: c.910G>A on transcript NM_000376.3 (MANE Select); coding-DNA position 910, G replaced by A.
Protein change: p.Gly304Arg; replaces glycine 304 with arginine.
Molecular consequence: missense variant.
Genome position (GRCh38, 1-based): chr12:47,846,449, C>T on the plus strand (G>A on the coding strand, the complement: VDR is on the minus strand). VCF-style: chr12-47846449-C-T. GRCh37 (hg19) VCF-style: chr12-48240232-C-T.
Other names: c.910G>A, p.Gly304Arg (NM_001017535.2, NM_001364085.2, NM_001374661.1 and 1 more transcripts); c.1060G>A, p.Gly354Arg (NM_001017536.2); short protein forms G304R, G354R.
Identifiers: ClinVar variation 1338550 (VCV001338550.4), dbSNP rs747349160, ClinGen allele CA6533812.